The following is an entry in ClinVar:

ClinVar aggregate classification (germline): Uncertain significance (1 of 4 stars; one submission).

Conditions:
Infantile-onset ascending hereditary spastic paralysis (IAHSP). Also called: Infantile-Onset Ascending Hereditary Spastic Paralysis (IAHSP); Autosomal Recessive Juvenile Amyotrophic Lateral Sclerosis. Identifiers: Orphanet 293168, MedGen C2931441, MONDO:0011797, OMIM 607225. Disease mechanism: loss of function.

Submission:

Labcorp Genetics (formerly Invitae), Labcorp
Classification: Uncertain significance for Infantile-onset ascending hereditary spastic paralysis. Last evaluated: 2025-11-25. Review status: criteria provided, single submitter. Criteria: Invitae Variant Classification Sherloc (09022015). Collection method: clinical testing. Allele origin: germline.
Comment: This sequence change replaces glycine, which is neutral and non-polar, with serine, which is neutral and polar, at codon 177 of the ALS2 protein (p.Gly177Ser). This variant is not present in population databases (gnomAD no frequency). This variant has not been reported in the literature in individuals affected with ALS2-related conditions. Invitae Evidence Modeling of protein sequence and biophysical properties (such as structural, functional, and spatial information, amino acid conservation, physicochemical variation, residue mobility, and thermodynamic stability) indicates that this missense variant is expected to disrupt ALS2 protein function with a positive predictive value of 80%. In summary, the available evidence is currently insufficient to determine the role of this variant in disease. Therefore, it has been classified as a Variant of Uncertain Significance.

NM_020919.4(ALS2):c.529G>A (p.Gly177Ser)

Gene: ALS2 (alsin Rho guanine nucleotide exchange factor ALS2; minus strand). Cytogenetic location: 2q33.1.
Variant type: single nucleotide variant.
Coding change: c.529G>A on transcript NM_020919.4 (MANE Select); coding-DNA position 529, G replaced by A.
Protein change: p.Gly177Ser; replaces glycine 177 with serine.
Molecular consequence: missense variant.
Genome position (GRCh38, 1-based): chr2:201,761,465, C>T on the plus strand (G>A on the coding strand, the complement: ALS2 is on the minus strand). VCF-style: chr2-201761465-C-T. GRCh37 (hg19) VCF-style: chr2-202626188-C-T.
Other names: c.529G>A, p.Gly177Ser (NM_001135745.2, NM_001410975.1); short protein forms G177S.
Identifiers: ClinVar variation 4744270 (VCV004744270.1).